The following is an entry in ClinVar:

NM_198129.4(LAMA3):c.9379T>C (p.Cys3127Arg)

Gene: LAMA3 (laminin subunit alpha 3; plus strand). Cytogenetic location: 18q11.2.
Variant type: single nucleotide variant.
Coding change: c.9379T>C on transcript NM_198129.4 (MANE Select); coding-DNA position 9379, T replaced by C.
Protein change: p.Cys3127Arg; replaces cysteine 3127 with arginine.
Molecular consequence: missense variant.
Genome position (GRCh38, 1-based): chr18:23,949,792, T>C. VCF-style: chr18-23949792-T-C. GRCh37 (hg19) VCF-style: chr18-21529756-T-C.
Other names: c.4552T>C, p.Cys1518Arg (NM_000227.6); c.9211T>C, p.Cys3071Arg (NM_001127717.4); c.4384T>C, p.Cys1462Arg (NM_001127718.4); short protein forms C1462R, C1518R, C3071R, C3127R.
Identifiers: ClinVar variation 3346092 (VCV003346092.1).

ClinVar aggregate classification (germline): Uncertain significance (0 of 4 stars; one submission).

Conditions:
LAMA3-related disorder. Also called: LAMA3-related condition; LAMA3-related disorders.

gnomAD v4.1: 4 of 1,614,126 alleles (0.00025%); highest among the groups gnomAD compares: Non-Finnish European, 0.00034%; no homozygotes.

Submission:

PreventionGenetics, part of Exact Sciences
Classification: Uncertain significance for LAMA3-related condition. Last evaluated: 2024-07-18. Review status: no assertion criteria provided. Collection method: clinical testing. Allele origin: germline.
Comment: The LAMA3 c.4552T>C variant is predicted to result in the amino acid substitution p.Cys1518Arg. To our knowledge, this variant has not been reported in the literature or in gnomAD, indicating this variant is rare. At this time, the clinical significance of this variant is uncertain due to the absence of conclusive functional and genetic evidence.